The following is an entry in ClinVar:

NM_152649.4(MLKL):c.947G>A (p.Gly316Asp)

Gene: MLKL (mixed lineage kinase domain like pseudokinase; minus strand). Cytogenetic location: 16q23.1.
Variant type: single nucleotide variant.
Coding change: c.947G>A on transcript NM_152649.4 (MANE Select); coding-DNA position 947, G replaced by A.
Protein change: p.Gly316Asp; replaces glycine 316 with aspartic acid.
Molecular consequence: missense variant. On other transcripts: intron variant (1).
Genome position (GRCh38, 1-based): chr16:74,682,660, C>T on the plus strand (G>A on the coding strand, the complement: MLKL is on the minus strand). VCF-style: chr16-74682660-C-T. GRCh37 (hg19) VCF-style: chr16-74716558-C-T.
Other names: c.536-7256G>A (NM_001142497.3); short protein forms G316D.
Identifiers: ClinVar variation 1177643 (VCV001177643.3), dbSNP rs375490660, ClinGen allele CA8169962.

Conditions:
Maturity-onset diabetes of the young (MODY). Also called: Maturity onset diabetes mellitus in young. Identifiers: Orphanet 552, MedGen C0342276, MONDO:0018911, HP:0004904.

Allele frequency attached by ClinVar (database versions not stated): gnomAD 0.00002.
gnomAD v4.1: 30 of 1,613,942 alleles (0.0019%); highest among the groups gnomAD compares: Non-Finnish European, 0.0022%; no homozygotes.

Submission:

Sidra Medicine
No classification provided (evidence only). Condition: Maturity-onset diabetes of the young type 1. Last evaluated: 2020-12-16. Review status: no classification provided. Criteria: ACMG Guidelines, 2015. Collection method: in vitro. Allele origin: not applicable. Inheritance: Oligogenic inheritance. Functional consequence: effect on protein interaction.
Comment: This single allele mutation may be involved in diabetes pathogenesis in co-inheritance with a classic MODY4 PDX1 P33T mutation. Functional studies confirmed the mutations causes aberrant necropolis in vitro.

"Pathogenic" was previously submitted as the classification for the variant. However, the classification appeared to be based only on an observation of functional data so it was converted to no classification on 2025-07-30.

Literature cited by the submitters: DOI 10.1038/s41419-021-03636-5.